The following is an entry in ClinVar:

NM_002470.4(MYH3):c.1411-384A>T

Gene: MYH3 (myosin heavy chain 3; minus strand). Cytogenetic location: 17p13.1.
Variant type: single nucleotide variant.
Coding change: c.1411-384A>T on transcript NM_002470.4 (MANE Select); 384 bases into the intron before coding-DNA position 1411, A replaced by T.
Molecular consequence: intron variant.
Genome position (GRCh38, 1-based): chr17:10,643,380, T>A on the plus strand (A>T on the coding strand, the complement: MYH3 is on the minus strand). VCF-style: chr17-10643380-T-A. GRCh37 (hg19) VCF-style: chr17-10546697-T-A.
Identifiers: ClinVar variation 3061265 (VCV003061265.2), dbSNP rs2508615565, ClinGen allele CA2740095273.

ClinVar aggregate classification (germline): Likely benign (0 of 4 stars; one submission).

Conditions:
MYH3-related disorder. Also called: MYH3-Related Disorders; MYH3-related condition. Identifiers: MedGen CN239329.

Submission:

PreventionGenetics, part of Exact Sciences
Classification: Likely benign for MYH3-related condition. Last evaluated: 2024-02-23. Review status: no assertion criteria provided. Collection method: clinical testing. Allele origin: germline.
Comment: This variant is classified as likely benign based on ACMG/AMP sequence variant interpretation guidelines (Richards et al. 2015 PMID: 25741868, with internal and published modifications).